The following is an entry in ClinVar:

ClinVar aggregate classification (germline): Uncertain significance (1 of 4 stars; one submission).

Conditions:
Ataxia-telangiectasia syndrome (AT). Also called: Ataxia telangiectasia (A-T); Ataxia-telangiectasia, complementation group D; AT, COMPLEMENTATION GROUP C; ATAXIA-TELANGIECTASIA, COMPLEMENTATION GROUP A; Ataxia-telangiectasia, complementation group E; ATAXIA-TELANGIECTASIA, FRESNO VARIANT. Identifiers: Orphanet 100, MedGen C0004135, MONDO:0008840, OMIM 208900.

Submission:

Labcorp Genetics (formerly Invitae), Labcorp
Classification: Uncertain significance for Ataxia-telangiectasia syndrome. Last evaluated: 2020-02-29. Review status: criteria provided, single submitter. Criteria: Invitae Variant Classification Sherloc (09022015). Collection method: clinical testing. Allele origin: germline.
Comment: Algorithms developed to predict the effect of sequence changes on RNA splicing suggest that this variant may disrupt the consensus splice site, but this prediction has not been confirmed by published transcriptional studies. In summary, the available evidence is currently insufficient to determine the role of this variant in disease. Therefore, it has been classified as a Variant of Uncertain Significance. This variant is not present in population databases (ExAC no frequency). This sequence change falls in intron 20 of the ATM gene. It does not directly change the encoded amino acid sequence of the ATM protein. This variant has not been reported in the literature in individuals with ATM-related disease.

NM_000051.4(ATM):c.3078-5T>G

Gene: ATM (ATM serine/threonine kinase; plus strand). Cytogenetic location: 11q22.3.
Variant type: single nucleotide variant.
Coding change: c.3078-5T>G on transcript NM_000051.4 (MANE Select); 5 bases into the intron before coding-DNA position 3078, T replaced by G.
Molecular consequence: intron variant.
Genome position (GRCh38, 1-based): chr11:108,272,527, T>G. VCF-style: chr11-108272527-T-G. GRCh37 (hg19) VCF-style: chr11-108143254-T-G.
Other names: c.3078-5T>G (NM_001351834.2).
Identifiers: ClinVar variation 567829 (VCV000567829.8), dbSNP rs1565427457, ClinGen allele CA891842964.